The following is an entry in ClinVar:

ClinVar aggregate classification (germline): Likely benign. Review status: criteria provided, multiple submitters, no conflicts (2 of 4 stars). 3 submissions from 3 submitters: Likely benign (2). 1 of the submissions does not count toward it. Last evaluated 2018-09-09.

Conditions:
CDH13-related disorder. Also called: CDH13-related condition.

Allele frequency attached by ClinVar (database versions not stated): 1000 Genomes Project 0.00080; 1000 Genomes Project 30x 0.00094; ESP Exome Variant Server 0.00140; TOPMed 0.00144.
gnomAD v4.1: 2,894 of 1,613,366 alleles (0.18%); highest among the groups gnomAD compares: Non-Finnish European, 0.22%; 2 homozygotes.

Submissions (3):

Labcorp Genetics (formerly Invitae), Labcorp
Classification: Likely benign. Last evaluated: 2018-09-09. Review status: criteria provided, single submitter. Criteria: Invitae Variant Classification Sherloc (09022015). Collection method: clinical testing. Allele origin: germline.

Breakthrough Genomics
Classification: Likely benign. Review status: criteria provided, single submitter. Criteria: ACMG Guidelines, 2015. Collection method: not provided. Allele origin: germline. Inheritance: Unknown mechanism. Affected: yes.

PreventionGenetics, part of Exact Sciences
Classification: Likely benign for CDH13-related condition. Last evaluated: 2019-12-11. Review status: no assertion criteria provided. Collection method: clinical testing. Allele origin: germline. Not counted in ClinVar's aggregate classification.
Comment: This variant is classified as likely benign based on ACMG/AMP sequence variant interpretation guidelines (Richards et al. 2015 PMID: 25741868, with internal and published modifications).

NM_001257.5(CDH13):c.337G>C (p.Gly113Arg)

Gene: CDH13 (cadherin 13; plus strand). Cytogenetic location: 16q23.3.
Variant type: single nucleotide variant.
Coding change: c.337G>C on transcript NM_001257.5 (MANE Select); coding-DNA position 337, G replaced by C.
Protein change: p.Gly113Arg; replaces glycine 113 with arginine.
Molecular consequence: missense variant. On other transcripts: intron variant (1).
Genome position (GRCh38, 1-based): chr16:83,032,189, G>C. VCF-style: chr16-83032189-G-C. GRCh37 (hg19) VCF-style: chr16-83065794-G-C.
Other names: c.478G>C, p.Gly160Arg (NM_001220488.2); c.337G>C, p.Gly113Arg (NM_001220489.2, NM_001220491.2, NM_001220492.2); c.-396-93196G>C (NM_001220490.2); c.478G>C (NM_001220488.1); short protein forms G160R, G113R.
Identifiers: ClinVar variation 730018 (VCV000730018.6), dbSNP rs183971768, ClinGen allele CA8196299.